The following is an entry in ClinVar:

ClinVar aggregate classification (germline): Likely benign. Review status: criteria provided, single submitter (1 of 4 stars). 2 submissions from 2 submitters: Likely benign (1). 1 of the submissions does not count toward it. Last evaluated 2025-05-28.

Conditions:
Amyotrophic lateral sclerosis type 1 (ALS1). Also called: AMYOTROPHIC LATERAL SCLEROSIS 1, FAMILIAL. Identifiers: Orphanet 803, MedGen C1862939, MONDO:0007103, OMIM 105400.
Perry syndrome. Also called: PARKINSONISM WITH ALVEOLAR HYPOVENTILATION AND MENTAL DEPRESSION. Identifiers: Orphanet 178509, MedGen C1868594, MONDO:0008201, OMIM 168605.
Neuronopathy, distal hereditary motor, type 7B. Also called: LOWER MOTOR NEURON DISEASE, DYNACTIN TYPE; NEURONOPATHY, DISTAL HEREDITARY MOTOR, AUTOSOMAL DOMINANT 14; NEURONOPATHY, DISTAL HEREDITARY MOTOR, HARDING TYPE VIIB; NEUROPATHY, DISTAL HEREDITARY MOTOR, HARDING TYPE VIIB; NEUROPATHY, DISTAL HEREDITARY MOTOR, WITH VOCAL CORD PARALYSIS, HARDING TYPE VIIB; Distal Hereditary Motor Neuronopathy Type 7B (dHMN7B). Identifiers: Orphanet 139589, MedGen C1843315, MONDO:0011879, OMIM 607641.
DCTN1-related disorder. Also called: DCTN1-related condition.

Allele frequency attached by ClinVar (database versions not stated): gnomAD exomes 0.00002; ExAC 0.00003; gnomAD 0.00010 and 0.00011; ESP Exome Variant Server 0.00015; TOPMed 0.00017.
gnomAD v4.1: 32 of 1,614,080 alleles (0.002%); highest among the groups gnomAD compares: African/African-American, 0.043%; no homozygotes.

Submissions (2):

Labcorp Genetics (formerly Invitae), Labcorp
Classification: Likely benign for Amyotrophic lateral sclerosis type 1; Neuronopathy, distal hereditary motor, type 7B; Perry syndrome. Last evaluated: 2025-05-28. Review status: criteria provided, single submitter. Criteria: Invitae Variant Classification Sherloc (09022015). Collection method: clinical testing. Allele origin: germline.

PreventionGenetics, part of Exact Sciences
Classification: Uncertain significance for DCTN1-related condition. Last evaluated: 2024-07-05. Review status: no assertion criteria provided. Collection method: clinical testing. Allele origin: germline. Not counted in ClinVar's aggregate classification.
Comment: The DCTN1 c.2588T>C variant is predicted to result in the amino acid substitution p.Val863Ala. To our knowledge, this variant has not been reported in the literature. This variant is reported in 0.044% of alleles in individuals of African descent in gnomAD. At this time, the clinical significance of this variant is uncertain due to the absence of conclusive functional and genetic evidence.

NM_004082.5(DCTN1):c.2588T>C (p.Val863Ala)

Gene: DCTN1 (dynactin subunit 1; minus strand). Cytogenetic location: 2p13.1.
Variant type: single nucleotide variant.
Coding change: c.2588T>C on transcript NM_004082.5 (MANE Select); coding-DNA position 2588, T replaced by C.
Protein change: p.Val863Ala; replaces valine 863 with alanine.
Molecular consequence: missense variant. On other transcripts: non-coding transcript variant (1).
Genome position (GRCh38, 1-based): chr2:74,366,499, A>G on the plus strand (T>C on the coding strand, the complement: DCTN1 is on the minus strand). VCF-style: chr2-74366499-A-G. GRCh37 (hg19) VCF-style: chr2-74593626-A-G.
Other names: c.2528T>C, p.Val843Ala (NM_001135040.3); c.2186T>C, p.Val729Ala (NM_001135041.3, NM_023019.4); c.2477T>C, p.Val826Ala (NM_001190836.2); c.2567T>C, p.Val856Ala (NM_001190837.2); c.2537T>C, p.Val846Ala (NM_001378991.1); c.2519T>C, p.Val840Ala (NM_001378992.1); short protein forms V840A, V826A, V729A, V846A, V863A, V843A, V856A.
Identifiers: ClinVar variation 951968 (VCV000951968.9), dbSNP rs150798076, ClinGen allele CA1721804.